The following is an entry in ClinVar:

NM_000257.4(MYH7):c.2360_2369del (p.Arg787fs)

Genes: MYH7 (myosin heavy chain 7; minus strand), LOC126861898 (BRD4-independent group 4 enhancer GRCh37_chr14:23893609-23894808; plus strand). Cytogenetic location: 14q11.2.
Variant type: Deletion.
Coding change: c.2360_2369del on transcript NM_000257.4 (MANE Select); coding-DNA positions 2360 to 2369, 10 bases deleted (GTATCCAGGC; older notation c.2360_2369delGTATCCAGGC).
Protein change: p.Arg787fs; shifts the reading frame from arginine 787.
Molecular consequence: frameshift variant.
Genome position (GRCh38, 1-based): chr14:23,425,336-23,425,345, GCCTGGATAC deleted on the plus strand (GTATCCAGGC on the coding strand, the reverse complement: MYH7 is on the minus strand); deleting any 10 consecutive bases within chr14:23,425,336-23,425,347 gives the same sequence; the c. name uses the placement nearest the transcript's 3' end. VCF-style (leftmost placement, unchanged base first): chr14-23425335-GGCCTGGATAC-G. GRCh37 (hg19) VCF-style: chr14-23894544-GGCCTGGATAC-G.
Other names: short protein forms R787fs.
Identifiers: ClinVar variation 1479628 (VCV001479628.6), dbSNP rs2138667059, ClinGen allele CA2573149868.

ClinVar aggregate classification (germline): Uncertain significance (1 of 4 stars; one submission).

Conditions:
Hypertrophic cardiomyopathy. Also called: HYPERTROPHIC MYOCARDIOPATHY. Identifiers: Orphanet 217569, MedGen C0007194, MeSH D002312, MONDO:0005045, HP:0001639.

Submission:

Labcorp Genetics (formerly Invitae), Labcorp
Classification: Uncertain significance for Hypertrophic cardiomyopathy. Last evaluated: 2020-10-28. Review status: criteria provided, single submitter. Criteria: Invitae Variant Classification Sherloc (09022015). Collection method: clinical testing. Allele origin: germline.
Comment: This sequence change creates a premature translational stop signal (p.Arg787Profs*24) in the MYH7 gene. It is expected to result in an absent or disrupted protein product. However, the current clinical and genetic evidence is not sufficient to establish whether loss-of-function variants in MYH7 cause disease. This variant is not present in population databases (ExAC no frequency). This variant has not been reported in the literature in individuals with MYH7-related conditions. In summary, the available evidence is currently insufficient to determine the role of this variant in disease. Therefore, it has been classified as a Variant of Uncertain Significance.